The following is an entry in ClinVar:

NC_000012.11:g.(?_32786463)_(32832419_?)dup

Genes: DNM1L (dynamin 1 like; plus strand), FGD4 (FYVE, RhoGEF and PH domain containing 4; plus strand). Cytogenetic location: 12p11.21.
Variant type: Duplication.
Identifiers: ClinVar variation 476841 (VCV000476841.5).

ClinVar aggregate classification (germline): Uncertain significance. Review status: criteria provided, single submitter (1 of 4 stars). 2 submissions from 1 submitter: Uncertain significance (1). 1 of the submissions does not count toward it. Last evaluated 2022-07-06.

Conditions:
Charcot-Marie-Tooth disease type 4. Also called: Charcot-Marie-Tooth, Type 4; Charcot-Marie-Tooth disease, type IV. Identifiers: Orphanet 64749, MedGen C4082197, MONDO:0018995.

Submissions (2):

Labcorp Genetics (formerly Invitae), Labcorp
Classification: Uncertain significance. Last evaluated: 2022-07-06. Review status: criteria provided, single submitter. Criteria: Invitae Variant Classification Sherloc (09022015). Collection method: clinical testing. Allele origin: germline.
Comment: This variant results in a copy number gain of the genomic region encompassing exon(s) 1 of the DNM1L gene. This region includes the initiator codon of the gene. This copy number gain extends beyond the assayed region for this gene and therefore may encompass additional genes. As the precise location of this event is unknown, it may be in tandem or it may be located elsewhere in the genome. This variant has not been reported in the literature in individuals affected with DNM1L-related conditions. In summary, the available evidence is currently insufficient to determine the role of this variant in disease. Therefore, it has been classified as a Variant of Uncertain Significance.

Labcorp Genetics (formerly Invitae), Labcorp
Classification: Uncertain significance for Charcot-Marie-Tooth disease type 4. Last evaluated: 2017-01-12. Review status: flagged submission. Criteria: Invitae Variant Classification Sherloc (09022015). Collection method: clinical testing. Allele origin: germline. Not counted in ClinVar's aggregate classification.
Comment: This variant is a gross duplication of the genomic region encompassing exons 15-17 of the FGD4 gene. The 5' boundary is likely confined to intron 14. The 3' end of this event is unknown as it extends beyond the assayed region for this gene and therefore may encompass additional genes. This variant has not been reported in the literature in an individual with a FGD4-related disease. Experimental studies and prediction algorithms are not available for this variant, and the functional significance of the duplicated amino acids is currently unknown. In summary, the exact genomic location of this variant is unknown and the impact of this duplication on FGD4 protein function has not been established. Therefore, it has been classified as a Variant of Uncertain Significance.
ClinVar note: Reason: This record appears to be redundant with a more recent record from the same submitter.
ClinVar note: Notes: SCV000657834 appears to be redundant with SCV002144594.